The following is an entry in ClinVar:

ClinVar aggregate classification (germline): Benign (1 of 4 stars; one submission).

Allele frequency attached by ClinVar (database versions not stated): gnomAD 0.04736 and 0.04631; 1000 Genomes Project 0.09525; 1000 Genomes Project 30x 0.09354; TOPMed 0.05319.

Submission:

GeneDx
Classification: Benign. Last evaluated: 2018-06-16. Review status: criteria provided, single submitter. Criteria: GeneDx Variant Classification (06012015). Collection method: clinical testing. Allele origin: germline. Affected: yes.
Comment: This variant is considered likely benign or benign based on one or more of the following criteria: it is a conservative change, it occurs at a poorly conserved position in the protein, it is predicted to be benign by multiple in silico algorithms, and/or has population frequency not consistent with disease.

NM_022114.3(PRDM16):c.-412G>A

Gene: PRDM16 (PR/SET domain 16; plus strand). Cytogenetic location: 1p36.32.
Variant type: single nucleotide variant.
Coding change: c.-412G>A on transcript NM_022114.3; 412 bases upstream of the start codon, G replaced by A.
Genome position (GRCh38, 1-based): chr1:3,068,848, G>A. VCF-style: chr1-3068848-G-A. GRCh37 (hg19) VCF-style: chr1-2985412-G-A.
Identifiers: ClinVar variation 671193 (VCV000671193.3), dbSNP rs2472818, ClinGen allele CA17010500.
Genomic context (GRCh38, chr1:3,068,848, plus strand): 5'-CCCATCTTCGGCCCCGGCTGGGGCGGGAGCAGCAGCGCGACGCGCCGCGACGCAGGGGCA[G>A]GGTGGGGGGATAGTCACCTCGCCTCCGGGGCCACCTGGGTCCTTTTAAAGTGTCCGGGGT-3'